The following is an entry in ClinVar:

ClinVar aggregate classification (germline): Benign/Likely benign. Review status: criteria provided, multiple submitters, no conflicts (2 of 4 stars). 6 submissions from 6 submitters: Benign (1); Likely benign (4). 1 of the submissions does not count toward it. Last evaluated 2026-01-13.

Conditions:
Hereditary cancer-predisposing syndrome. Also called: Neoplastic Syndromes, Hereditary; Hereditary Cancer Syndrome; Tumor predisposition; Hereditary neoplastic syndrome. Identifiers: Orphanet 140162, MedGen C0027672, MeSH D009386, MONDO:0015356.
Gorlin syndrome. Also called: Nevoid Basal Cell Carcinoma Syndrome; Basal cell nevus syndrome. Identifiers: Orphanet 377, MedGen C0004779, MONDO:0007187.
PTCH1-related disorder. Also called: PTCH1-related disorders; PTCH1-related condition.

Allele frequency attached by ClinVar (database versions not stated): gnomAD 0.00003 and 0.00004; gnomAD exomes 0.00004; TOPMed 0.00004; ExAC 0.00005; ESP Exome Variant Server 0.00008.
gnomAD v4.1: 65 of 1,612,964 alleles (0.004%); highest among the groups gnomAD compares: South Asian, 0.0033%; no homozygotes.

Submissions (6):

Labcorp Genetics (formerly Invitae), Labcorp
Classification: Benign for Gorlin syndrome. Last evaluated: 2026-01-13. Review status: criteria provided, single submitter. Criteria: Invitae Variant Classification Sherloc (09022015). Collection method: clinical testing. Allele origin: germline.

Blueprint Genetics
Classification: Likely benign. Last evaluated: 2023-07-14. Review status: criteria provided, single submitter. Criteria: ACMG Guidelines, 2015. Collection method: clinical testing. Allele origin: germline.

Sema4
Classification: Likely benign for Hereditary cancer-predisposing syndrome. Last evaluated: 2021-05-28. Review status: criteria provided, single submitter. Criteria: Sema4 Curation Guidelines. Collection method: curation. Allele origin: germline.

GeneDx
Classification: Likely benign. Last evaluated: 2019-10-16. Review status: criteria provided, single submitter. Criteria: GeneDx Variant Classification Process June 2021. Collection method: clinical testing. Allele origin: germline. Affected: yes.

Ambry Genetics
Classification: Likely benign for Hereditary cancer-predisposing syndrome. Last evaluated: 2017-12-20. Review status: criteria provided, single submitter. Criteria: Ambry Variant Classification Scheme 2023. Collection method: clinical testing. Allele origin: germline.

PreventionGenetics, part of Exact Sciences
Classification: Likely benign for PTCH1-related condition. Last evaluated: 2020-12-21. Review status: no assertion criteria provided. Collection method: clinical testing. Allele origin: germline. Not counted in ClinVar's aggregate classification.
Comment: This variant is classified as likely benign based on ACMG/AMP sequence variant interpretation guidelines (Richards et al. 2015 PMID: 25741868, with internal and published modifications).

NM_000264.5(PTCH1):c.4086C>T (p.Pro1362=)

Gene: PTCH1 (patched 1; minus strand). Cytogenetic location: 9q22.32.
Variant type: single nucleotide variant.
Coding change: c.4086C>T on transcript NM_000264.5 (MANE Select); coding-DNA position 4086, C replaced by T.
Protein change: p.Pro1362=; no amino-acid change (proline 1362 retained).
Molecular consequence: synonymous variant. On other transcripts: non-coding transcript variant (1).
Genome position (GRCh38, 1-based): chr9:95,447,170, G>A on the plus strand (C>T on the coding strand, the complement: PTCH1 is on the minus strand). VCF-style: chr9-95447170-G-A. GRCh37 (hg19) VCF-style: chr9-98209452-G-A.
Other names: c.3888C>T, p.Pro1296= (NM_001083602.3); c.4083C>T, p.Pro1361= (NM_001083603.3); c.3633C>T, p.Pro1211= (NM_001083604.3, NM_001083605.3, NM_001083606.3 and 1 more transcripts); c.3930C>T, p.Pro1310= (NM_001354918.2).
Identifiers: ClinVar variation 237494 (VCV000237494.23), dbSNP rs375588552, ClinGen allele CA5137957.